The following is an entry in ClinVar:

NM_025132.4(WDR19):c.4A>G (p.Lys2Glu)

Gene: WDR19 (WD repeat domain 19; plus strand). Cytogenetic location: 4p14.
Variant type: single nucleotide variant.
Coding change: c.4A>G on transcript NM_025132.4 (MANE Select); coding-DNA position 4, A replaced by G.
Protein change: p.Lys2Glu; replaces lysine 2 with glutamic acid.
Molecular consequence: missense variant. On other transcripts: 5 prime UTR variant (1).
Genome position (GRCh38, 1-based): chr4:39,182,561, A>G. VCF-style: chr4-39182561-A-G. GRCh37 (hg19) VCF-style: chr4-39184181-A-G.
Other names: c.-361A>G (NM_001317924.2); short protein forms K2E.
Identifiers: ClinVar variation 3755681 (VCV003755681.2).

ClinVar aggregate classification (germline): Uncertain significance (1 of 4 stars; one submission).

Conditions:
Asphyxiating thoracic dystrophy 5 (SRTD5). Also called: SHORT-RIB THORACIC DYSPLASIA 5 WITH OR WITHOUT POLYDACTYLY; SHORT-RIB THORACIC DYSPLASIA 5 WITHOUT POLYDACTYLY. Identifiers: Orphanet 474, MedGen C3280598, MONDO:0013717, OMIM 614376.
Senior-Loken syndrome 8 (SLSN8). Identifiers: Orphanet 3156, MedGen C4225376, MONDO:0014579, OMIM 616307.

Submission:

Labcorp Genetics (formerly Invitae), Labcorp
Classification: Uncertain significance for Senior-Loken syndrome 8; Asphyxiating thoracic dystrophy 5. Last evaluated: 2024-05-11. Review status: criteria provided, single submitter. Criteria: Invitae Variant Classification Sherloc (09022015). Collection method: clinical testing. Allele origin: germline.
Comment: This sequence change replaces lysine, which is basic and polar, with glutamic acid, which is acidic and polar, at codon 2 of the WDR19 protein (p.Lys2Glu). This variant is not present in population databases (gnomAD no frequency). This variant has not been reported in the literature in individuals affected with WDR19-related conditions. An algorithm developed to predict the effect of missense changes on protein structure and function (PolyPhen-2) suggests that this variant is likely to be tolerated. In summary, the available evidence is currently insufficient to determine the role of this variant in disease. Therefore, it has been classified as a Variant of Uncertain Significance.